The following is an entry in ClinVar:

ClinVar aggregate classification (germline): Uncertain significance. Review status: criteria provided, multiple submitters, no conflicts (2 of 4 stars). 2 submissions from 2 submitters: Uncertain significance (2). Last evaluated 2025-01-15.

Submissions (2):

GeneDx
Classification: Uncertain significance. Last evaluated: 2025-01-15. Review status: criteria provided, single submitter. Criteria: GeneDx Variant Classification Process June 2021. Collection method: clinical testing. Allele origin: germline. Affected: yes.
Comment: Not observed at significant frequency in large population cohorts (gnomAD); In silico analysis supports that this missense variant has a deleterious effect on protein structure/function; Has not been previously published as pathogenic or benign to our knowledge

Labcorp Genetics (formerly Invitae), Labcorp
Classification: Uncertain significance. Last evaluated: 2024-05-31. Review status: criteria provided, single submitter. Criteria: Invitae Variant Classification Sherloc (09022015). Collection method: clinical testing. Allele origin: germline.
Comment: This sequence change replaces arginine, which is basic and polar, with serine, which is neutral and polar, at codon 244 of the MYH3 protein (p.Arg244Ser). This variant is not present in population databases (gnomAD no frequency). This variant has not been reported in the literature in individuals affected with MYH3-related conditions. Advanced modeling of protein sequence and biophysical properties (such as structural, functional, and spatial information, amino acid conservation, physicochemical variation, residue mobility, and thermodynamic stability) has been performed at Invitae for this missense variant, however the output from this modeling did not meet the statistical confidence thresholds required to predict the impact of this variant on MYH3 protein function. In summary, the available evidence is currently insufficient to determine the role of this variant in disease. Therefore, it has been classified as a Variant of Uncertain Significance.

NM_002470.4(MYH3):c.730C>A (p.Arg244Ser)

Gene: MYH3 (myosin heavy chain 3; minus strand). Cytogenetic location: 17p13.1.
Variant type: single nucleotide variant.
Coding change: c.730C>A on transcript NM_002470.4 (MANE Select); coding-DNA position 730, C replaced by A.
Protein change: p.Arg244Ser; replaces arginine 244 with serine.
Molecular consequence: missense variant.
Genome position (GRCh38, 1-based): chr17:10,648,562, G>T on the plus strand (C>A on the coding strand, the complement: MYH3 is on the minus strand). VCF-style: chr17-10648562-G-T. GRCh37 (hg19) VCF-style: chr17-10551879-G-T.
Other names: c.730C>A (NM_002470.3); short protein forms R244S.
Identifiers: ClinVar variation 3634461 (VCV003634461.3).